The following is an entry in ClinVar:

ClinVar aggregate classification (germline): Uncertain significance (1 of 4 stars; one submission).

Conditions:
RASopathy. Also called: Noonan spectrum disorder; rasopathies. Identifiers: Orphanet 536391, MedGen C5555857, MONDO:0021060.

Submission:

Labcorp Genetics (formerly Invitae), Labcorp
Classification: Uncertain significance for RASopathy. Last evaluated: 2025-07-20. Review status: criteria provided, single submitter. Criteria: Invitae Variant Classification Sherloc (09022015). Collection method: clinical testing. Allele origin: germline.
Comment: This sequence change replaces isoleucine, which is neutral and non-polar, with arginine, which is basic and polar, at codon 682 of the SOS1 protein (p.Ile682Arg). This variant is not present in population databases (gnomAD no frequency). This variant has not been reported in the literature in individuals affected with SOS1-related conditions. Invitae Evidence Modeling of protein sequence and biophysical properties (such as structural, functional, and spatial information, amino acid conservation, physicochemical variation, residue mobility, and thermodynamic stability) has been performed for this missense variant. However, the output from this modeling did not meet the statistical confidence thresholds required to predict the impact of this variant on SOS1 protein function. In summary, the available evidence is currently insufficient to determine the role of this variant in disease. Therefore, it has been classified as a Variant of Uncertain Significance.

NM_005633.4(SOS1):c.2045T>G (p.Ile682Arg)

Gene: SOS1 (SOS Ras/Rac guanine nucleotide exchange factor 1; minus strand). Cytogenetic location: 2p22.1.
Variant type: single nucleotide variant.
Coding change: c.2045T>G on transcript NM_005633.4 (MANE Select); coding-DNA position 2045, T replaced by G.
Protein change: p.Ile682Arg; replaces isoleucine 682 with arginine.
Molecular consequence: missense variant.
Genome position (GRCh38, 1-based): chr2:39,013,885, A>C on the plus strand (T>G on the coding strand, the complement: SOS1 is on the minus strand). VCF-style: chr2-39013885-A-C. GRCh37 (hg19) VCF-style: chr2-39241026-A-C.
Other names: c.2024T>G, p.Ile675Arg (NM_001382394.1); c.2045T>G, p.Ile682Arg (NM_001382395.1); short protein forms I675R, I682R.
Identifiers: ClinVar variation 4747100 (VCV004747100.1).